The following is an entry in ClinVar:

ClinVar aggregate classification (germline): Uncertain significance (1 of 4 stars; one submission).

Conditions:
Autosomal recessive severe congenital neutropenia due to CSF3R deficiency. Also called: Neutropenia, severe congenital, 7, autosomal recessive. Identifiers: Orphanet 420702, MedGen C4310764, MONDO:0014865, OMIM 617014.

Allele frequency attached by ClinVar (database versions not stated): gnomAD exomes below 0.00001; TOPMed below 0.00001; ExAC 0.00001.
gnomAD v4.1: 7 of 1,614,164 alleles (0.00043%); highest among the groups gnomAD compares: Non-Finnish European, 0.00059%; no homozygotes.

Submission:

Labcorp Genetics (formerly Invitae), Labcorp
Classification: Uncertain significance for Autosomal recessive severe congenital neutropenia due to CSF3R deficiency. Last evaluated: 2022-07-07. Review status: criteria provided, single submitter. Criteria: Invitae Variant Classification Sherloc (09022015). Collection method: clinical testing. Allele origin: germline.
Comment: Algorithms developed to predict the effect of missense changes on protein structure and function are either unavailable or do not agree on the potential impact of this missense change (SIFT: "Deleterious"; PolyPhen-2: "Probably Damaging"; Align-GVGD: "Class C15"). In summary, the available evidence is currently insufficient to determine the role of this variant in disease. Therefore, it has been classified as a Variant of Uncertain Significance. ClinVar contains an entry for this variant (Variation ID: 1521259). This sequence change replaces glutamic acid, which is acidic and polar, with valine, which is neutral and non-polar, at codon 267 of the CSF3R protein (p.Glu267Val). This variant is present in population databases (rs758364103, gnomAD 0.0009%). This variant has not been reported in the literature in individuals affected with CSF3R-related conditions.

NM_000760.4(CSF3R):c.800A>T (p.Glu267Val)

Gene: CSF3R (colony stimulating factor 3 receptor; minus strand). Cytogenetic location: 1p34.3.
Variant type: single nucleotide variant.
Coding change: c.800A>T on transcript NM_000760.4 (MANE Select); coding-DNA position 800, A replaced by T.
Protein change: p.Glu267Val; replaces glutamic acid 267 with valine.
Molecular consequence: missense variant.
Genome position (GRCh38, 1-based): chr1:36,472,560, T>A on the plus strand (A>T on the coding strand, the complement: CSF3R is on the minus strand). VCF-style: chr1-36472560-T-A. GRCh37 (hg19) VCF-style: chr1-36938161-T-A.
Other names: c.800A>T, p.Glu267Val (NM_156039.3, NM_172313.3); short protein forms E267V.
Identifiers: ClinVar variation 1521259 (VCV001521259.8), dbSNP rs758364103, ClinGen allele CA769387.